The following is an entry in ClinVar:

NM_006206.6(PDGFRA):c.3104G>C (p.Gly1035Ala)

Gene: PDGFRA (platelet derived growth factor receptor alpha; plus strand). Cytogenetic location: 4q12.
Variant type: single nucleotide variant.
Coding change: c.3104G>C on transcript NM_006206.6 (MANE Select); coding-DNA position 3104, G replaced by C.
Protein change: p.Gly1035Ala; replaces glycine 1035 with alanine.
Molecular consequence: missense variant.
Genome position (GRCh38, 1-based): chr4:54,290,536, G>C. VCF-style: chr4-54290536-G-C. GRCh37 (hg19) VCF-style: chr4-55156703-G-C.
Other names: c.3179G>C, p.Gly1060Ala (NM_001347828.2); c.3104G>C, p.Gly1035Ala (NM_001347829.2); c.3143G>C, p.Gly1048Ala (NM_001347830.2); short protein forms G1035A, G1048A, G1060A.
Identifiers: ClinVar variation 4797284 (VCV004797284.1).

ClinVar aggregate classification (germline): Uncertain significance (1 of 4 stars; one submission).

Conditions:
Gastrointestinal stromal tumor. Also called: Gastrointestinal stroma tumor; Gastrointestinal stromal tumor, somatic. Identifiers: Orphanet 44890, MedGen C0238198, MeSH D046152, MONDO:0011719, OMIM 606764, HP:0100723.

gnomAD v4.1: 1 of 1,614,102 alleles (0.000062%); highest among the groups gnomAD compares: Admixed American, 0.0017%; no homozygotes.

Submission:

Labcorp Genetics (formerly Invitae), Labcorp
Classification: Uncertain significance for Gastrointestinal stromal tumor. Last evaluated: 2025-06-29. Review status: criteria provided, single submitter. Criteria: Invitae Variant Classification Sherloc (09022015). Collection method: clinical testing. Allele origin: germline.
Comment: This sequence change replaces glycine, which is neutral and non-polar, with alanine, which is neutral and non-polar, at codon 1035 of the PDGFRA protein (p.Gly1035Ala). This variant is present in population databases (rs777886441, gnomAD 0.003%). This variant has not been reported in the literature in individuals affected with PDGFRA-related conditions. Invitae Evidence Modeling of protein sequence and biophysical properties (such as structural, functional, and spatial information, amino acid conservation, physicochemical variation, residue mobility, and thermodynamic stability) indicates that this missense variant is not expected to disrupt PDGFRA protein function with a negative predictive value of 80%. In summary, the available evidence is currently insufficient to determine the role of this variant in disease. Therefore, it has been classified as a Variant of Uncertain Significance.